The following is an entry in ClinVar:

ClinVar aggregate classification (germline): Uncertain significance. Review status: criteria provided, multiple submitters, no conflicts (2 of 4 stars). 2 submissions from 2 submitters: Uncertain significance (2). Last evaluated 2021-04-09.

Conditions:
Inborn genetic diseases. Identifiers: MedGen C0950123, MeSH D030342.

Allele frequency attached by ClinVar (database versions not stated): ESP Exome Variant Server 0.00008.
gnomAD v4.1: 92 of 1,614,046 alleles (0.0057%); highest among the groups gnomAD compares: Non-Finnish European, 0.0077%; no homozygotes.

Submissions (2):

Labcorp Genetics (formerly Invitae), Labcorp
Classification: Uncertain significance. Last evaluated: 2021-04-09. Review status: criteria provided, single submitter. Criteria: Invitae Variant Classification Sherloc (09022015). Collection method: clinical testing. Allele origin: germline.
Comment: In summary, the available evidence is currently insufficient to determine the role of this variant in disease. Therefore, it has been classified as a Variant of Uncertain Significance. Algorithms developed to predict the effect of missense changes on protein structure and function (SIFT, PolyPhen-2, Align-GVGD) all suggest that this variant is likely to be disruptive, but these predictions have not been confirmed by published functional studies and their clinical significance is uncertain. This variant has not been reported in the literature in individuals with PLK4-related conditions. This variant is present in population databases (rs373205220, ExAC 0.001%). This sequence change replaces aspartic acid with tyrosine at codon 212 of the PLK4 protein (p.Asp212Tyr). The aspartic acid residue is highly conserved and there is a large physicochemical difference between aspartic acid and tyrosine.

Ambry Genetics
Classification: Uncertain significance for Inborn genetic diseases. Last evaluated: 2021-03-03. Review status: criteria provided, single submitter. Criteria: Ambry Variant Classification Scheme 2023. Collection method: clinical testing. Allele origin: germline.
Comment: The c.634G>T (p.D212Y) alteration is located in exon 5 (coding exon 5) of the PLK4 gene. This alteration results from a G to T substitution at nucleotide position 634, causing the aspartic acid (D) at amino acid position 212 to be replaced by a tyrosine (Y). The in silico prediction for the p.D212Y alteration is inconclusive. Based on insufficient or conflicting evidence, the clinical significance of this alteration remains unclear.

NM_014264.5(PLK4):c.634G>T (p.Asp212Tyr)

Gene: PLK4 (polo like kinase 4; plus strand). Cytogenetic location: 4q28.1.
Variant type: single nucleotide variant.
Coding change: c.634G>T on transcript NM_014264.5 (MANE Select); coding-DNA position 634, G replaced by T.
Protein change: p.Asp212Tyr; replaces aspartic acid 212 with tyrosine.
Molecular consequence: missense variant.
Genome position (GRCh38, 1-based): chr4:127,886,004, G>T. VCF-style: chr4-127886004-G-T. GRCh37 (hg19) VCF-style: chr4-128807159-G-T.
Other names: c.538G>T, p.Asp180Tyr (NM_001190799.2); c.511G>T, p.Asp171Tyr (NM_001190801.2); c.634G>T (NM_014264.4); short protein forms D171Y, D180Y, D212Y.
Identifiers: ClinVar variation 1517891 (VCV001517891.7), dbSNP rs373205220, ClinGen allele CA3076609.
Genomic context (GRCh38, chr4:127,886,004, plus strand): 5'-TCTGATGTTTGGTCCCTGGGCTGTATGTTTTATACATTACTTATCGGGAGACCACCCTTC[G>T]ACACTGACACAGTCAAGAACACATTAAATAAAGTAGTATTGGCAGATTATGAAATGCCAT-3'
Protein context (NP_055079.3, residues 202-222): YTLLIGRPPF[Asp212Tyr]TDTVKNTLNK